The following is an entry in ClinVar:

ClinVar aggregate classification (germline): Benign/Likely benign. Review status: criteria provided, multiple submitters, no conflicts (2 of 4 stars). 3 submissions from 3 submitters: Benign (1); Likely benign (2). Last evaluated 2025-06-19.

Conditions:
Melnick-Needles syndrome (MNS). Also called: MELNICK-NEEDLES OSTEODYSPLASTY; Melnick-Needles Syndrome (FLNA-MNS); OSTEODYSPLASTY OF MELNICK AND NEEDLES. Identifiers: Orphanet 2484, MedGen C0025237, MONDO:0010650, OMIM 309350.
Frontometaphyseal dysplasia (FMD1). Identifiers: Orphanet 1826, MedGen C0265293, MONDO:0015942.
Heterotopia, periventricular, X-linked dominant (PVNH1). Also called: PERIVENTRICULAR NODULAR HETEROTOPIA 4; HETEROTOPIA, PERIVENTRICULAR, 1; PERIVENTRICULAR NODULAR HETEROTOPIA 1; X-linked periventricular heterotopia. Identifiers: Orphanet 2149, Orphanet 82004, MedGen C1848213, MONDO:0010233, OMIM 300049.
Oto-palato-digital syndrome, type II (OPD2). Also called: Otopalatodigital Syndrome Type 2 (FLNA-OPD2); FACIOPALATOOSSEOUS SYNDROME; OPD II SYNDROME; Otopalatodigital Syndrome, Type II. Identifiers: Orphanet 669, Orphanet 90652, MedGen C1844696, MONDO:0010571, OMIM 304120.
Familial thoracic aortic aneurysm and aortic dissection (TAAD). Also called: Thoracic aortic aneurysms and dissections. Identifiers: Orphanet 91387, MedGen C4707243, MONDO:0019625.

Allele frequency attached by ClinVar (database versions not stated): gnomAD 0.00002; gnomAD exomes 0.00003 and 0.00007; ExAC 0.00007.
gnomAD v4.1: 38 of 1,209,626 alleles (0.0031%); highest among the groups gnomAD compares: South Asian, 0.065%; 1 homozygote.

Submissions (3):

Labcorp Genetics (formerly Invitae), Labcorp
Classification: Benign for Oto-palato-digital syndrome, type II; Heterotopia, periventricular, X-linked dominant; Frontometaphyseal dysplasia; Melnick-Needles syndrome. Last evaluated: 2025-06-19. Review status: criteria provided, single submitter. Criteria: Invitae Variant Classification Sherloc (09022015). Collection method: clinical testing. Allele origin: germline.

Ambry Genetics
Classification: Likely benign for Familial thoracic aortic aneurysm and aortic dissection. Last evaluated: 2020-03-31. Review status: criteria provided, single submitter. Criteria: Ambry Variant Classification Scheme 2023. Collection method: clinical testing. Allele origin: germline.

GeneDx
Classification: Likely benign. Last evaluated: 2018-01-15. Review status: criteria provided, single submitter. Criteria: GeneDx Variant Classification (06012015). Collection method: clinical testing. Allele origin: germline. Affected: yes.
Comment: This variant is considered likely benign or benign based on one or more of the following criteria: it is a conservative change, it occurs at a poorly conserved position in the protein, it is predicted to be benign by multiple in silico algorithms, and/or has population frequency not consistent with disease.

NM_001110556.2(FLNA):c.4577G>A (p.Gly1526Glu)

Gene: FLNA (filamin A; minus strand). Cytogenetic location: Xq28.
Variant type: single nucleotide variant.
Coding change: c.4577G>A on transcript NM_001110556.2 (MANE Select); coding-DNA position 4577, G replaced by A.
Protein change: p.Gly1526Glu; replaces glycine 1526 with glutamic acid.
Molecular consequence: missense variant.
Genome position (GRCh38, 1-based): chrX:154,358,466, C>T on the plus strand (G>A on the coding strand, the complement: FLNA is on the minus strand). VCF-style: chrX-154358466-C-T. GRCh37 (hg19) VCF-style: chrX-153586834-C-T.
Other names: c.4577G>A, p.Gly1526Glu (NM_001456.4); short protein forms G1526E.
Identifiers: ClinVar variation 514543 (VCV000514543.10), dbSNP rs782649462, ClinGen allele CA10560507.
Genomic context (GRCh38, chrX:154,358,466, plus strand): 5'-CTGGGCCACTCCCCACAGGCAGCAGGCCCTGCCTCTTACCTCCGGGGTACCTCTTCATCT[C>T]CATACAGTACTGAGATGCTGTAGGGCCCTTCTCGGCTGGGCACATAATTGACGGTCTGGG-3'
Protein context (NP_001104026.1, residues 1516-1536): EGPYSISVLY[Gly1526Glu]DEEVPRSPFK